The following is an entry in ClinVar:

ClinVar aggregate classification (germline): Pathogenic (1 of 4 stars; one submission).

Conditions:
Blepharophimosis - intellectual disability syndrome. Identifiers: Orphanet 293642, MedGen C5229849, MONDO:0017393.

Submission:

Broad Center for Mendelian Genomics, Broad Institute of MIT and Harvard
Classification: Pathogenic for Blepharophimosis - intellectual disability syndrome. Last evaluated: 2023-05-02. Review status: criteria provided, single submitter. Criteria: ACMG Guidelines, 2015. Collection method: curation. Allele origin: germline. Inheritance: Autosomal recessive inheritance.
Comment: The c.2569-2A>C variant in UBE3B has not been previously reported in individuals with blepharophimosis-ptosis-intellectual-disability syndrome. This variant was absent from large population studies. This variant is located in the 3' splice region. Computational tools predict a splicing impact, though this information is not predictive enough to determine pathogenicity. Loss of function of the UBE3B gene is an established disease mechanism in autosomal recessive blepharophimosis-ptosis-intellectual-disability syndrome. In summary, this variant meets criteria to be classified as pathogenic for autosomal recessive blepharophimosis-ptosis-intellectual-disability syndrome. ACMG/AMP Criteria applied: PVS1, PM2_Supporting, PM3_Supporting (Richards 2015).

NM_130466.4(UBE3B):c.2569-2A>C

Gene: UBE3B (ubiquitin protein ligase E3B; plus strand). Cytogenetic location: 12q24.11.
Variant type: single nucleotide variant.
Coding change: c.2569-2A>C on transcript NM_130466.4 (MANE Select); the canonical splice acceptor site of the intron before coding-DNA position 2569, A replaced by C.
Molecular consequence: splice acceptor variant.
Genome position (GRCh38, 1-based): chr12:109,526,356, A>C. VCF-style: chr12-109526356-A-C. GRCh37 (hg19) VCF-style: chr12-109964161-A-C.
Other names: NM_183415.3:c.2569-2A>C; c.2569-2A>C (NM_183415.3).
Identifiers: ClinVar variation 2500941 (VCV002500941.1), dbSNP rs2548565787, ClinGen allele CA386645842.